The following is an entry in ClinVar:

ClinVar aggregate classification (germline): Uncertain significance. Review status: criteria provided, multiple submitters, no conflicts (2 of 4 stars). 2 submissions from 2 submitters: Uncertain significance (2). Last evaluated 2024-12-12.

Conditions:
Congenital muscular hypertrophy-cerebral syndrome (CDLS2). Also called: SMC1A-Related Cornelia de Lange Syndrome; Cornelia de Lange syndrome 2. Identifiers: Orphanet 199, MedGen C1802395, MONDO:0010370, OMIM 300590.

Submissions (2):

GeneDx
Classification: Uncertain significance. Last evaluated: 2024-12-12. Review status: criteria provided, single submitter. Criteria: GeneDx Variant Classification Process June 2021. Collection method: clinical testing. Allele origin: germline. Affected: yes.
Comment: Not observed at significant frequency in large population cohorts (gnomAD); Missense variants in this gene are a common cause of disease and they are underrepresented in the general population; In silico analysis indicates that this missense variant does not alter protein structure/function; Has not been previously published as pathogenic or benign to our knowledge

Labcorp Genetics (formerly Invitae), Labcorp
Classification: Uncertain significance for Congenital muscular hypertrophy-cerebral syndrome. Last evaluated: 2021-01-29. Review status: criteria provided, single submitter. Criteria: Invitae Variant Classification Sherloc (09022015). Collection method: clinical testing. Allele origin: germline.
Comment: In summary, the available evidence is currently insufficient to determine the role of this variant in disease. Therefore, it has been classified as a Variant of Uncertain Significance. Algorithms developed to predict the effect of missense changes on protein structure and function (SIFT, PolyPhen-2, Align-GVGD) all suggest that this variant is likely to be tolerated, but these predictions have not been confirmed by published functional studies and their clinical significance is uncertain. This variant has not been reported in the literature in individuals with SMC1A-related disease. This variant is not present in population databases (ExAC no frequency). This sequence change replaces serine with alanine at codon 102 of the SMC1A protein (p.Ser102Ala). The serine residue is moderately conserved and there is a moderate physicochemical difference between serine and alanine.

NM_006306.4(SMC1A):c.304T>G (p.Ser102Ala)

Gene: SMC1A (structural maintenance of chromosomes 1A; minus strand). Cytogenetic location: Xp11.22.
Variant type: single nucleotide variant.
Coding change: c.304T>G on transcript NM_006306.4 (MANE Select); coding-DNA position 304, T replaced by G.
Protein change: p.Ser102Ala; replaces serine 102 with alanine.
Molecular consequence: missense variant.
Genome position (GRCh38, 1-based): chrX:53,414,865, A>C on the plus strand (T>G on the coding strand, the complement: SMC1A is on the minus strand). VCF-style: chrX-53414865-A-C. GRCh37 (hg19) VCF-style: chrX-53441814-A-C.
Other names: c.238T>G, p.Ser80Ala (NM_001281463.1); c.304T>G (NM_006306.2); short protein forms S102A, S80A.
Identifiers: ClinVar variation 1061625 (VCV001061625.9), dbSNP rs2146606564, ClinGen allele CA413131900.